The following is an entry in ClinVar:

ClinVar aggregate classification (germline): Conflicting classifications of pathogenicity. Review status: criteria provided, conflicting classifications (1 of 4 stars). 2 submissions from 2 submitters: Uncertain significance (1); Likely benign (1). Last evaluated 2026-05-01.

Allele frequency attached by ClinVar (database versions not stated): gnomAD exomes below 0.00001 and 0.00001; gnomAD 0.00002; TOPMed 0.00003.
gnomAD v4.1: 5 of 1,209,006 alleles (0.00041%); highest among the groups gnomAD compares: Admixed American, 0.0022%; no homozygotes.

Submissions (2):

CeGaT Center for Human Genetics Tuebingen
Classification: Likely benign. Last evaluated: 2026-05-01. Review status: criteria provided, single submitter. Criteria: CeGaT Center For Human Genetics Tuebingen Variant Classification Criteria Version 2. Collection method: clinical testing. Allele origin: germline. Affected: yes. Observed: 1 variant allele.
Comment: SYP: BP4, BP7

Genetic Services Laboratory, University of Chicago
Classification: Uncertain significance. Last evaluated: 2017-08-24. Review status: criteria provided, single submitter. Criteria: ACMG Guidelines, 2015. Collection method: clinical testing. Allele origin: germline. Affected: no.

NM_003179.3(SYP):c.801C>T (p.Ser267=)

Gene: SYP (synaptophysin; minus strand). Cytogenetic location: Xp11.23.
Variant type: single nucleotide variant.
Coding change: c.801C>T on transcript NM_003179.3 (MANE Select); coding-DNA position 801, C replaced by T.
Protein change: p.Ser267=; no amino-acid change (serine 267 retained).
Molecular consequence: synonymous variant.
Genome position (GRCh38, 1-based): chrX:49,191,578, G>A on the plus strand (C>T on the coding strand, the complement: SYP is on the minus strand). VCF-style: chrX-49191578-G-A. GRCh37 (hg19) VCF-style: chrX-49048035-G-A.
Identifiers: ClinVar variation 1336184 (VCV001336184.6), dbSNP rs1337500813, ClinGen allele CA516365131.